The following is an entry in ClinVar:

ClinVar aggregate classification (germline): Likely benign (1 of 4 stars; one submission).

gnomAD v4.1: 18 of 1,209,163 alleles (0.0015%); highest among the groups gnomAD compares: South Asian, 0.023%; no homozygotes.

Submission:

CeGaT Center for Human Genetics Tuebingen
Classification: Likely benign. Last evaluated: 2026-02-01. Review status: criteria provided, single submitter. Criteria: CeGaT Center For Human Genetics Tuebingen Variant Classification Criteria Version 2. Collection method: clinical testing. Allele origin: germline. Affected: yes. Observed: 1 variant allele.
Comment: PORCN: BP4, BP7, BS2

NM_203475.3(PORCN):c.855G>A (p.Thr285=)

Gene: PORCN (porcupine O-acyltransferase; plus strand). Cytogenetic location: Xp11.23.
Variant type: single nucleotide variant.
Coding change: c.855G>A on transcript NM_203475.3 (MANE Select); coding-DNA position 855, G replaced by A.
Protein change: p.Thr285=; no amino-acid change (threonine 285 retained).
Molecular consequence: synonymous variant. On other transcripts: non-coding transcript variant (2).
Genome position (GRCh38, 1-based): chrX:48,514,534, G>A. VCF-style: chrX-48514534-G-A. GRCh37 (hg19) VCF-style: chrX-48372922-G-A.
Other names: c.609G>A, p.Thr203= (NM_001282167.2); c.1179G>A, p.Thr393= (NM_001441333.1); c.1161G>A, p.Thr387= (NM_001441334.1); c.927G>A, p.Thr309= (NM_001441335.1); c.1014G>A, p.Thr338= (NM_001441336.1); c.822G>A, p.Thr274= (NM_022825.4); c.840G>A, p.Thr280= (NM_203473.3); c.837G>A, p.Thr279= (NM_203474.1).
Identifiers: ClinVar variation 4821131 (VCV004821131.4).